The following is an entry in ClinVar:

NM_001605.3(AARS1):c.1411G>A (p.Glu471Lys)

Gene: AARS1 (alanyl-tRNA synthetase 1; minus strand). Cytogenetic location: 16q22.1.
Variant type: single nucleotide variant.
Coding change: c.1411G>A on transcript NM_001605.3 (MANE Select); coding-DNA position 1411, G replaced by A.
Protein change: p.Glu471Lys; replaces glutamic acid 471 with lysine.
Molecular consequence: missense variant.
Genome position (GRCh38, 1-based): chr16:70,265,039, C>T on the plus strand (G>A on the coding strand, the complement: AARS1 is on the minus strand). VCF-style: chr16-70265039-C-T. GRCh37 (hg19) VCF-style: chr16-70298942-C-T.
Other names: short protein forms E471K.
Identifiers: ClinVar variation 3609123 (VCV003609123.3).

ClinVar aggregate classification (germline): Uncertain significance. Review status: criteria provided, multiple submitters, no conflicts (2 of 4 stars). 2 submissions from 2 submitters: Uncertain significance (2). Last evaluated 2026-04-01.

Conditions:
Charcot-Marie-Tooth disease type 2. Also called: Charcot-Marie-Tooth type 2. Identifiers: Orphanet 64746, MedGen C0270914, MONDO:0018993.

gnomAD v4.1: 5 of 1,614,112 alleles (0.00031%); highest among the groups gnomAD compares: Non-Finnish European, 0.00042%; no homozygotes.

Submissions (2):

GeneDx
Classification: Uncertain significance. Last evaluated: 2026-04-01. Review status: criteria provided, single submitter. Criteria: GeneDx Variant Classification Process June 2021. Collection method: clinical testing. Allele origin: germline.
Comment: Not observed at significant frequency in large population cohorts (gnomAD); In silico analysis suggests that this missense variant does not alter protein structure/function; Has not been previously published as pathogenic or benign to our knowledge; This variant is associated with the following publications: (PMID: 25817015)

Labcorp Genetics (formerly Invitae), Labcorp
Classification: Uncertain significance for Charcot-Marie-Tooth disease type 2. Last evaluated: 2024-10-16. Review status: criteria provided, single submitter. Criteria: Invitae Variant Classification Sherloc (09022015). Collection method: clinical testing. Allele origin: germline.
Comment: This sequence change replaces glutamic acid, which is acidic and polar, with lysine, which is basic and polar, at codon 471 of the AARS protein (p.Glu471Lys). This variant is not present in population databases (gnomAD no frequency). This variant has not been reported in the literature in individuals affected with AARS-related conditions. Invitae Evidence Modeling of protein sequence and biophysical properties (such as structural, functional, and spatial information, amino acid conservation, physicochemical variation, residue mobility, and thermodynamic stability) indicates that this missense variant is not expected to disrupt AARS protein function with a negative predictive value of 95%. In summary, the available evidence is currently insufficient to determine the role of this variant in disease. Therefore, it has been classified as a Variant of Uncertain Significance.